The following is an entry in ClinVar:

NM_016333.4(SRRM2):c.5355_5362del (p.Arg1786_Arg1787insTer)

Gene: SRRM2 (serine/arginine repetitive matrix 2; plus strand). Cytogenetic location: 16p13.3.
Variant type: Deletion.
Coding change: c.5355_5362del on transcript NM_016333.4 (MANE Select); coding-DNA positions 5355 to 5362, 8 bases deleted (CCGACGTC; older notation c.5355_5362delCCGACGTC).
Protein change: p.Arg1786_Arg1787insTer.
Molecular consequence: frameshift variant.
Genome position (GRCh38, 1-based): chr16:2,765,883-2,765,890, CCGACGTC deleted; deleting any 8 consecutive bases within chr16:2,765,882-2,765,890 gives the same sequence; the c. name uses the placement nearest the transcript's 3' end. VCF-style (leftmost placement, unchanged base first): chr16-2765881-ACCCGACGT-A. GRCh37 (hg19) VCF-style: chr16-2815882-ACCCGACGT-A.
Identifiers: ClinVar variation 3449583 (VCV003449583.1).

ClinVar aggregate classification (germline): Pathogenic (1 of 4 stars; one submission).

Conditions:
Inborn genetic diseases. Identifiers: MedGen C0950123, MeSH D030342.

Submission:

Ambry Genetics
Classification: Pathogenic for Inborn genetic diseases. Last evaluated: 2024-12-06. Review status: criteria provided, single submitter. Criteria: Ambry Variant Classification Scheme 2023. Collection method: clinical testing. Allele origin: germline.
Comment: The c.5355_5362delCCGACGTC (p.R1787*) alteration, located in coding exon 10 of the SRRM2 gene, consists of a deletion of 8 nucleotides from position 5355 to 5362. This changes the amino acid from an arginine to a stop codon at amino acid position 1787. This alteration is expected to result in loss of function by premature protein truncation or nonsense-mediated mRNA decay. This variant was not reported in population-based cohorts in the Genome Aggregation Database (gnomAD). Based on the available evidence, this alteration is classified as pathogenic.